The following is an entry in ClinVar:

NM_007347.5(AP4E1):c.3266T>C (p.Leu1089Pro)

Gene: AP4E1 (adaptor related protein complex 4 subunit epsilon 1; plus strand). Cytogenetic location: 15q21.2.
Variant type: single nucleotide variant.
Coding change: c.3266T>C on transcript NM_007347.5 (MANE Select); coding-DNA position 3266, T replaced by C.
Protein change: p.Leu1089Pro; replaces leucine 1089 with proline.
Molecular consequence: missense variant.
Genome position (GRCh38, 1-based): chr15:51,002,514, T>C. VCF-style: chr15-51002514-T-C. GRCh37 (hg19) VCF-style: chr15-51294711-T-C.
Other names: c.3041T>C, p.Leu1014Pro (NM_001252127.2); short protein forms L1014P, L1089P.
Identifiers: ClinVar variation 1919241 (VCV001919241.5), dbSNP rs550237440, ClinGen allele CA392422568.

ClinVar aggregate classification (germline): Uncertain significance (1 of 4 stars; one submission).

Conditions:
Spastic paraplegia. Identifiers: MedGen C0037772, HP:0001258.

Submission:

Labcorp Genetics (formerly Invitae), Labcorp
Classification: Uncertain significance for Spastic paraplegia. Last evaluated: 2022-10-13. Review status: criteria provided, single submitter. Criteria: Invitae Variant Classification Sherloc (09022015). Collection method: clinical testing. Allele origin: germline.
Comment: In summary, the available evidence is currently insufficient to determine the role of this variant in disease. Therefore, it has been classified as a Variant of Uncertain Significance. Algorithms developed to predict the effect of missense changes on protein structure and function are either unavailable or do not agree on the potential impact of this missense change (SIFT: "Deleterious"; PolyPhen-2: "Probably Damaging"; Align-GVGD: "Class C0"). This sequence change replaces leucine, which is neutral and non-polar, with proline, which is neutral and non-polar, at codon 1089 of the AP4E1 protein (p.Leu1089Pro). This variant is not present in population databases (gnomAD no frequency). This variant has not been reported in the literature in individuals affected with AP4E1-related conditions.